The following is an entry in ClinVar:

NM_000070.3(CAPN3):c.1322G>A (p.Gly441Asp)

Gene: CAPN3 (calpain 3; plus strand). Cytogenetic location: 15q15.1.
Variant type: single nucleotide variant.
Coding change: c.1322G>A on transcript NM_000070.3 (MANE Select); coding-DNA position 1322, G replaced by A.
Protein change: p.Gly441Asp; replaces glycine 441 with aspartic acid.
Molecular consequence: missense variant.
Genome position (GRCh38, 1-based): chr15:42,399,620, G>A. VCF-style: chr15-42399620-G-A. GRCh37 (hg19) VCF-style: chr15-42691818-G-A.
Other names: NM_000070.3(CAPN3):c.1322G>A; p.Gly441Asp; c.1322G>A, p.Gly441Asp (NM_024344.2); c.1178G>A, p.Gly393Asp (NM_173087.2); c.1061G>A, p.Gly354Asp (NM_212464.2); c.*1015G>A (NM_212467.2); short protein forms G354D, G441D, G393D.
Identifiers: ClinVar variation 2137655 (VCV002137655.5), dbSNP rs2548274050, ClinGen allele CA391999585.

ClinVar aggregate classification (germline): Likely pathogenic. Review status: reviewed by expert panel (3 of 4 stars). 3 submissions from 3 submitters: Likely pathogenic (1). 2 of the submissions do not count toward it. Last evaluated 2025-10-29.

Conditions:
Autosomal recessive limb-girdle muscular dystrophy type 2A (LGMDR1). Also called: LEYDEN-MOEBIUS MUSCULAR DYSTROPHY; MUSCULAR DYSTROPHY, PELVOFEMORAL; Muscular dystrophy, limb-girdle, type 2A, Amish; Limb-girdle muscular dystrophy, type 2A; Calpainopathy. Identifiers: Orphanet 267, MedGen C1869123, MONDO:0009675, OMIM 253600. Disease mechanism: loss of function.
Autosomal recessive limb-girdle muscular dystrophy. Identifiers: Orphanet 102015, MedGen C2931907, MONDO:0015152.

Submissions (3):

ClinGen Limb Girdle Muscular Dystrophy Variant Curation Expert Panel, ClinGen
Classification: Likely pathogenic for Autosomal recessive limb-girdle muscular dystrophy. Last evaluated: 2025-10-29. Review status: reviewed by expert panel. Criteria: ClinGen LGMD VCEP ACMG Specifications CAPN3 V2.0.0. Collection method: curation. Allele origin: germline. Inheritance: Autosomal recessive inheritance.
Comment: The NM_000070.3: c.1322G>A variant in CAPN3 is a missense variant expected to result in the substitution of glycine with aspartic acid at amino acid 441, p.(Gly441Asp). This variant has been reported in four individuals with features consistent with LGMD (PMID: 16372320, 37526466, 16650086, 25135358; ClinVar SCV003442816.3 internal data communication), including in a homozygous state without reported familial consanguinity in one patient (0.5 pts; PMID: 16372320, 37526466, 25135358) and in unconfirmed phase with a pathogenic variant in two patients (c.550del p.(Thr184ArgfsTer36), 0.5 pts, ClinVar SCV003442816.3 internal data communication; c.1714C>T p.(Arg572Trp), 0.5 pts, PMID: 16650086) (PM3). At least one patient with this variant and a second presumed diagnostic CAPN3 variant displayed progressive limb girdle muscle weakness and only trace amounts of calpain-3 protein expression in skeletal muscle, which is highly specific for CAPN3-related LGMD (PP4_Strong; PMID: 16650086). The variant is not found in gnomAD v4.1.0 (PM2_Supporting). The computational predictor REVEL gives a score of 0.916, which is above the LGMD VCEP threshold of ≥0.70, evidence that correlates with impact to DYSF function (PP3). In summary, this variant meets the criteria to be classified as Likely Pathogenic for autosomal recessive limb girdle muscular dystrophy based on the ACMG/AMP criteria applied, as specified by the ClinGen LGMD VCEP (LGMD VCEP specifications version 2.0.0; 10/29/2025): PM3, PP4_Strong, PM2_Supporting, PP3.

Labcorp Genetics (formerly Invitae), Labcorp
Classification: Likely pathogenic for Autosomal recessive limb-girdle muscular dystrophy type 2A. Last evaluated: 2025-10-01. Review status: criteria provided, single submitter. Criteria: Invitae Variant Classification Sherloc (09022015). Collection method: clinical testing. Allele origin: germline. Not counted in ClinVar's aggregate classification.
Comment: This sequence change replaces glycine, which is neutral and non-polar, with aspartic acid, which is acidic and polar, at codon 441 of the CAPN3 protein (p.Gly441Asp). This variant is not present in population databases (gnomAD no frequency). This missense change has been observed in individual(s) with clinical features of autosomal recessive limb-girdle muscular dystrophy (PMID: 10330340, 16650086; internal data). ClinVar contains an entry for this variant (Variation ID: 2137655). Invitae Evidence Modeling of protein sequence and biophysical properties (such as structural, functional, and spatial information, amino acid conservation, physicochemical variation, residue mobility, and thermodynamic stability) indicates that this missense variant is expected to disrupt CAPN3 protein function with a positive predictive value of 80%. In summary, the currently available evidence indicates that the variant is pathogenic, but additional data are needed to prove that conclusively. Therefore, this variant has been classified as Likely Pathogenic.

Women's Health and Genetics/Laboratory Corporation of America, LabCorp
Classification: Likely pathogenic for Autosomal recessive limb-girdle muscular dystrophy. Last evaluated: 2025-05-29. Review status: criteria provided, single submitter. Criteria: LabCorp Variant Classification Summary - May 2015. Collection method: clinical testing. Allele origin: germline. Not counted in ClinVar's aggregate classification.
Comment: Variant summary: CAPN3 c.1322G>A (p.Gly441Asp) results in a non-conservative amino acid change in the encoded protein sequence. Algorithms developed to predict the effect of missense changes on protein structure and function all suggest that this variant is likely to be disruptive. The variant was absent in 247616 control chromosomes. c.1322G>A has been observed in individuals affected with Limb-Girdle Muscular Dystrophy, Autosomal Recessive (Fardeau_1996, Richard_1999, Hermanov_2006, Krahn_2006, internal data). These data indicate that the variant is likely to be associated with disease. To our knowledge, no experimental evidence demonstrating an impact on protein function has been reported. The following publications have been ascertained in the context of this evaluation (PMID: 9027854, 16372320, 11371436, 16650086, 10330340, 37526466). ClinVar contains an entry for this variant (Variation ID: 2137655). Based on the evidence outlined above, the variant was classified as likely pathogenic.

Literature cited by the submitters: PubMed 10330340 (cited by Labcorp Genetics (formerly Invitae), Labcorp and Women's Health and Genetics/Laboratory Corporation of America, LabCorp); PubMed 16650086 (cited by Labcorp Genetics (formerly Invitae), Labcorp and Women's Health and Genetics/Laboratory Corporation of America, LabCorp); PubMed 37526466 (cited by Women's Health and Genetics/Laboratory Corporation of America, LabCorp); PubMed 9027854 (cited by Women's Health and Genetics/Laboratory Corporation of America, LabCorp); PubMed 16372320 (cited by Women's Health and Genetics/Laboratory Corporation of America, LabCorp); PubMed 11371436 (cited by Women's Health and Genetics/Laboratory Corporation of America, LabCorp).